The following is an entry in ClinVar:

NM_001365536.1(SCN9A):c.1658G>A (p.Ser553Asn)

Genes: SCN9A (sodium voltage-gated channel alpha subunit 9; minus strand), SCN1A-AS1 (SCN1A and SCN9A antisense RNA 1; plus strand). Cytogenetic location: 2q24.3.
Variant type: single nucleotide variant.
Coding change: c.1658G>A on transcript NM_001365536.1 (MANE Select); coding-DNA position 1658, G replaced by A.
Protein change: p.Ser553Asn; replaces serine 553 with asparagine.
Molecular consequence: missense variant.
Genome position (GRCh38, 1-based): chr2:166,284,769, C>T on the plus strand (G>A on the coding strand, the complement: SCN9A is on the minus strand). VCF-style: chr2-166284769-C-T. GRCh37 (hg19) VCF-style: chr2-167141279-C-T.
Other names: c.1658G>A, p.Ser553Asn (NM_002977.4); short protein forms S553N.
Identifiers: ClinVar variation 862108 (VCV000862108.10), dbSNP rs971476486, ClinGen allele CA59799684.

ClinVar aggregate classification (germline): Uncertain significance (1 of 4 stars; one submission).

Conditions:
Neuropathy, hereditary sensory and autonomic, type 2A (HSAN2A). Also called: HSAN IIA; MORVAN DISEASE; NEUROPATHY, CONGENITAL SENSORY; NEUROPATHY, HEREDITARY SENSORY RADICULAR, AUTOSOMAL RECESSIVE; NEUROPATHY, HEREDITARY SENSORY, TYPE IIA; NEUROPATHY, PROGRESSIVE SENSORY, OF CHILDREN. Identifiers: Orphanet 970, MedGen C2752089, MONDO:0024309, OMIM 201300.
Generalized epilepsy with febrile seizures plus, type 7 (GEFSP7). Also called: GEFS+, TYPE 7. Identifiers: Orphanet 36387, MedGen C2751778, MONDO:0013470, OMIM 613863.

Allele frequency attached by ClinVar (database versions not stated): gnomAD exomes below 0.00001; gnomAD 0.00002; TOPMed 0.00002.
gnomAD v4.1: 4 of 1,613,522 alleles (0.00025%); highest among the groups gnomAD compares: Non-Finnish European, 0.00034%; no homozygotes.

Submission:

Labcorp Genetics (formerly Invitae), Labcorp
Classification: Uncertain significance for Neuropathy, hereditary sensory and autonomic, type 2A; Generalized epilepsy with febrile seizures plus, type 7. Last evaluated: 2024-07-02. Review status: criteria provided, single submitter. Criteria: Invitae Variant Classification Sherloc (09022015). Collection method: clinical testing. Allele origin: germline.
Comment: This sequence change replaces serine, which is neutral and polar, with asparagine, which is neutral and polar, at codon 553 of the SCN9A protein (p.Ser553Asn). This variant is present in population databases (no rsID available, gnomAD 0.01%). This variant has not been reported in the literature in individuals affected with SCN9A-related conditions. ClinVar contains an entry for this variant (Variation ID: 862108). Advanced modeling of protein sequence and biophysical properties (such as structural, functional, and spatial information, amino acid conservation, physicochemical variation, residue mobility, and thermodynamic stability) performed at Invitae indicates that this missense variant is not expected to disrupt SCN9A protein function with a negative predictive value of 80%. In summary, the available evidence is currently insufficient to determine the role of this variant in disease. Therefore, it has been classified as a Variant of Uncertain Significance.